The following is an entry in ClinVar:

ClinVar aggregate classification (germline): Benign/Likely benign. Review status: criteria provided, multiple submitters, no conflicts (2 of 4 stars). 3 submissions from 3 submitters: Benign (2); Likely benign (1). Last evaluated 2025-12-31.

Conditions:
Catecholaminergic polymorphic ventricular tachycardia 1. Also called: RYR2-Related Catecholaminergic Polymorphic Ventricular Tachycardia; VENTRICULAR TACHYCARDIA, STRESS-INDUCED POLYMORPHIC 1; VENTRICULAR TACHYCARDIA, CATECHOLAMINERGIC POLYMORPHIC, 1, WITH OR WITHOUT ATRIAL DYSFUNCTION AND/OR DILATED CARDIOMYOPATHY. Identifiers: Orphanet 3286, MedGen C1631597, MONDO:0011484, OMIM 604772.

Allele frequency attached by ClinVar (database versions not stated): gnomAD 0.00008 and 0.00001; gnomAD exomes 0.00023; ExAC 0.00028; 1000 Genomes Project 0.00120; 1000 Genomes Project 30x 0.00172; TOPMed 0.00001.
gnomAD v4.1: 187 of 1,611,286 alleles (0.012%); highest among the groups gnomAD compares: South Asian, 0.19%; no homozygotes.

Submissions (3):

Labcorp Genetics (formerly Invitae), Labcorp
Classification: Benign for Catecholaminergic polymorphic ventricular tachycardia 1. Last evaluated: 2025-12-31. Review status: criteria provided, single submitter. Criteria: Invitae Variant Classification Sherloc (09022015). Collection method: clinical testing. Allele origin: germline.

Blueprint Genetics
Classification: Likely benign. Last evaluated: 2024-10-23. Review status: criteria provided, single submitter. Criteria: ACMG Guidelines, 2015. Collection method: clinical testing. Allele origin: germline.

GeneDx
Classification: Benign. Last evaluated: 2014-03-20. Review status: criteria provided, single submitter. Criteria: GeneDx Variant Classification (06012015). Collection method: clinical testing. Allele origin: germline. Affected: yes.
Comment: This variant is considered likely benign or benign based on one or more of the following criteria: it is a conservative change, it occurs at a poorly conserved position in the protein, it is predicted to be benign by multiple in silico algorithms, and/or has population frequency not consistent with disease.

NM_001035.3(RYR2):c.2613+16C>T

Gene: RYR2 (ryanodine receptor 2; plus strand). Cytogenetic location: 1q43.
Variant type: single nucleotide variant.
Coding change: c.2613+16C>T on transcript NM_001035.3 (MANE Select); 16 bases into the intron after coding-DNA position 2613, C replaced by T.
Molecular consequence: intron variant.
Genome position (GRCh38, 1-based): chr1:237,503,521, C>T. VCF-style: chr1-237503521-C-T. GRCh37 (hg19) VCF-style: chr1-237666821-C-T.
Other names: c.2613+16C>T (LRG_402t1).
Identifiers: ClinVar variation 138941 (VCV000138941.11), dbSNP rs542609503, ClinGen allele CA008899.